The following is an entry in ClinVar:

ClinVar aggregate classification (germline): Uncertain significance (1 of 4 stars; one submission).

Conditions:
Idiopathic generalized epilepsy. Also called: Generalised epilepsy; EIG. Identifiers: MedGen C0270850, MONDO:0005579, OMIM 600669.
Hyperaldosteronism, familial, type IV (HALD4). Also called: FH IV; ALDOSTERONISM, PRIMARY, AND HYPERTENSION. Identifiers: Orphanet 642671, MedGen C4310756, MONDO:0014875, OMIM 617027.

gnomAD v4.1: 4 of 1,608,602 alleles (0.00025%); highest among the groups gnomAD compares: Admixed American, 0.0067%; no homozygotes.

Submission:

Labcorp Genetics (formerly Invitae), Labcorp
Classification: Uncertain significance for Idiopathic generalized epilepsy; Hyperaldosteronism, familial, type IV. Last evaluated: 2025-09-16. Review status: criteria provided, single submitter. Criteria: Invitae Variant Classification Sherloc (09022015). Collection method: clinical testing. Allele origin: germline.
Comment: This sequence change replaces glycine, which is neutral and non-polar, with aspartic acid, which is acidic and polar, at codon 753 of the CACNA1H protein (p.Gly753Asp). This variant is not present in population databases (gnomAD no frequency). This variant has not been reported in the literature in individuals affected with CACNA1H-related conditions. ClinVar contains an entry for this variant (Variation ID: 3753400). Invitae Evidence Modeling of protein sequence and biophysical properties (such as structural, functional, and spatial information, amino acid conservation, physicochemical variation, residue mobility, and thermodynamic stability) indicates that this missense variant is not expected to disrupt CACNA1H protein function with a negative predictive value of 95%. In summary, the available evidence is currently insufficient to determine the role of this variant in disease. Therefore, it has been classified as a Variant of Uncertain Significance.

NM_021098.3(CACNA1H):c.2258G>A (p.Gly753Asp)

Gene: CACNA1H (calcium voltage-gated channel subunit alpha1 H; plus strand). Cytogenetic location: 16p13.3.
Variant type: single nucleotide variant.
Coding change: c.2258G>A on transcript NM_021098.3 (MANE Select); coding-DNA position 2258, G replaced by A.
Protein change: p.Gly753Asp; replaces glycine 753 with aspartic acid.
Molecular consequence: missense variant.
Genome position (GRCh38, 1-based): chr16:1,204,265, G>A. VCF-style: chr16-1204265-G-A. GRCh37 (hg19) VCF-style: chr16-1254265-G-A.
Other names: c.2258G>A, p.Gly753Asp (NM_001005407.2); short protein forms G753D.
Identifiers: ClinVar variation 3753400 (VCV003753400.2).